The following is an entry in ClinVar:

ClinVar aggregate classification (germline): Uncertain significance. Review status: criteria provided, multiple submitters, no conflicts (2 of 4 stars). 4 submissions from 3 submitters: Uncertain significance (4). Last evaluated 2025-12-20.

Conditions:
Autosomal dominant nocturnal frontal lobe epilepsy 5. Also called: KCNT1-Related Epilepsy; CILIARY DYSKINESIA, PRIMARY, 28, WITHOUT SITUS INVERSUS; CILIARY DYSKINESIA, PRIMARY, 28, WITH SITUS INVERSUS; Epilepsy, nocturnal frontal lobe, 5. Identifiers: Orphanet 98784, MedGen C3554306, MONDO:0014002, OMIM 615005.
Developmental and epileptic encephalopathy, 14 (DEE14). Also called: Early infantile epileptic encephalopathy 14. Identifiers: Orphanet 293181, MedGen C3554195, MONDO:0013989, OMIM 614959.

Submissions (4):

Labcorp Genetics (formerly Invitae), Labcorp
Classification: Uncertain significance for Autosomal dominant nocturnal frontal lobe epilepsy 5; Developmental and epileptic encephalopathy, 14. Last evaluated: 2025-12-20. Review status: criteria provided, single submitter. Criteria: Invitae Variant Classification Sherloc (09022015). Collection method: clinical testing. Allele origin: germline.
Comment: This sequence change replaces lysine, which is basic and polar, with valine, which is neutral and non-polar, at codon 1154 of the KCNT1 protein (p.Lys1154Val). This variant is present in population databases (no rsID available, gnomAD 0.0004%). This variant has not been reported in the literature in individuals affected with KCNT1-related conditions. ClinVar contains an entry for this variant (Variation ID: 1010946). An algorithm developed to predict the effect of missense changes on protein structure and function (PolyPhen-2) suggests that this variant is likely to be tolerated. In summary, the available evidence is currently insufficient to determine the role of this variant in disease. Therefore, it has been classified as a Variant of Uncertain Significance.

Genome-Nilou Lab
Classification: Uncertain significance for Developmental and epileptic encephalopathy, 14. Last evaluated: 2022-03-15. Review status: criteria provided, single submitter. Criteria: ACMG Guidelines, 2015. Collection method: clinical testing. Allele origin: germline. Affected: no.

Genome-Nilou Lab
Classification: Uncertain significance for Autosomal dominant nocturnal frontal lobe epilepsy 5. Last evaluated: 2022-03-15. Review status: criteria provided, single submitter. Criteria: ACMG Guidelines, 2015. Collection method: clinical testing. Allele origin: germline. Affected: no.

GeneDx
Classification: Uncertain significance. Last evaluated: 2019-11-04. Review status: criteria provided, single submitter. Criteria: GeneDx Variant Classification Process June 2021. Collection method: clinical testing. Allele origin: germline. Affected: yes.
Comment: In silico analysis, which includes protein predictors and evolutionary conservation, supports a deleterious effect; Has not been previously published as pathogenic or benign to our knowledge

NM_020822.3(KCNT1):c.3460_3461delinsGT (p.Lys1154Val)

Gene: KCNT1 (potassium sodium-activated channel subfamily T member 1; plus strand). Cytogenetic location: 9q34.3.
Variant type: Indel.
Coding change: c.3460_3461delinsGT on transcript NM_020822.3 (MANE Select); coding-DNA positions 3460 to 3461, AA replaced by GT.
Protein change: p.Lys1154Val; replaces lysine 1154 with valine.
Molecular consequence: missense variant.
Genome position (GRCh38, 1-based): chr9:135,786,479-135,786,480, AA replaced by GT. VCF-style: chr9-135786479-AA-GT. GRCh37 (hg19) VCF-style: chr9-138678325-AA-GT.
Other names: c.3325_3326delinsGT, p.Lys1109Val (NM_001272003.2); short protein forms K1109V, K1154V.
Identifiers: ClinVar variation 1010946 (VCV001010946.11), dbSNP rs1834060931, ClinGen allele CA1883888459.
Genomic context (GRCh38, chr9:135,786,479, plus strand): 5'-AGCCAGCAGCGCCTCAGCCTGTACCGGCGCTCTGAGCGCCAGGAGCTCTCCGAGCTGGTG[AA>GT]GAACCGCATGAAGCACCTGGGGCTGCCCACCACCGGCTACGGTAAGGGCACACGGCGCGG-3'
Protein context (NP_065873.2, residues 1144-1164): SERQELSELV[Lys1154Val]NRMKHLGLPT